The following is an entry in ClinVar:

ClinVar aggregate classification (germline): Likely benign (1 of 4 stars; one submission).

Allele frequency attached by ClinVar (database versions not stated): ExAC 0.00003.

Submission:

CeGaT Center for Human Genetics Tuebingen
Classification: Likely benign. Last evaluated: 2022-11-01. Review status: criteria provided, single submitter. Criteria: CeGaT Center For Human Genetics Tuebingen Variant Classification Criteria Version 2. Collection method: clinical testing. Allele origin: germline. Affected: yes. Observed: 1 variant allele.
Comment: POFUT2: BP4, BP7

NM_133635.6(POFUT2):c.849G>A (p.Ala283=)

Gene: POFUT2 (protein O-fucosyltransferase 2; minus strand). Cytogenetic location: 21q22.3.
Variant type: single nucleotide variant.
Coding change: c.849G>A on transcript NM_133635.6 (MANE Select); coding-DNA position 849, G replaced by A.
Protein change: p.Ala283=; no amino-acid change (alanine 283 retained).
Molecular consequence: synonymous variant. On other transcripts: non-coding transcript variant (1).
Genome position (GRCh38, 1-based): chr21:45,270,002, C>T on the plus strand (G>A on the coding strand, the complement: POFUT2 is on the minus strand). VCF-style: chr21-45270002-C-T. GRCh37 (hg19) VCF-style: chr21-46689917-C-T.
Other names: c.849G>A, p.Ala283= (NM_015227.6).
Identifiers: ClinVar variation 2652789 (VCV002652789.24), dbSNP rs762488021, ClinGen allele CA10064767.
Genomic context (GRCh38, chr21:45,270,002, plus strand): 5'-TCTGTGACCCCAGATGAAATCTTTTCTTCTCAGGTGGACTCCCAGGTAGGGGCCCCCTAG[C>T]GCGGAGCCCAGCTTGACCTAGCAAAGAACCACAAGGAAATGCAGAAGCTGACAGGCGGGC-3'
Protein context (NP_598368.2, residues 273-293): WMKMKVKLGS[Ala283=]LGGPYLGVHL